The following is an entry in ClinVar:

NM_012335.4(MYO1F):c.489C>T (p.Asn163=)

Gene: MYO1F (myosin IF; minus strand). Cytogenetic location: 19p13.2.
Variant type: single nucleotide variant.
Coding change: c.489C>T on transcript NM_012335.4 (MANE Select); coding-DNA position 489, C replaced by T.
Protein change: p.Asn163=; no amino-acid change (asparagine 163 retained).
Molecular consequence: synonymous variant.
Genome position (GRCh38, 1-based): chr19:8,553,154, G>A on the plus strand (C>T on the coding strand, the complement: MYO1F is on the minus strand). VCF-style: chr19-8553154-G-A. GRCh37 (hg19) VCF-style: chr19-8618038-G-A.
Other names: c.489C>T, p.Asn163= (NM_001348355.2).
Identifiers: ClinVar variation 2649208 (VCV002649208.24), dbSNP rs1204150131, ClinGen allele CA505279669.

ClinVar aggregate classification (germline): Likely benign (1 of 4 stars; one submission).

Allele frequency attached by ClinVar (database versions not stated): gnomAD exomes below 0.00001; TOPMed below 0.00001.
gnomAD v4.1: 2 of 1,614,112 alleles (0.00012%); highest among the groups gnomAD compares: Middle Eastern, 0.017%; no homozygotes.

Submission:

CeGaT Center for Human Genetics Tuebingen
Classification: Likely benign. Last evaluated: 2023-03-01. Review status: criteria provided, single submitter. Criteria: CeGaT Center For Human Genetics Tuebingen Variant Classification Criteria Version 2. Collection method: clinical testing. Allele origin: germline. Affected: yes. Observed: 1 variant allele.
Comment: MYO1F: PM2:Supporting, BP4, BP7